The following is an entry in ClinVar:

NM_020066.5(FMN2):c.2919A>G (p.Ala973=)

Gene: FMN2 (formin 2; plus strand). Cytogenetic location: 1q43.
Variant type: single nucleotide variant.
Coding change: c.2919A>G on transcript NM_020066.5 (MANE Select); coding-DNA position 2919, A replaced by G.
Protein change: p.Ala973=; no amino-acid change (alanine 973 retained).
Molecular consequence: synonymous variant. On other transcripts: intron variant (1).
Genome position (GRCh38, 1-based): chr1:240,207,731, A>G. VCF-style: chr1-240207731-A-G. GRCh37 (hg19) VCF-style: chr1-240371031-A-G.
Other names: c.2931A>G, p.Ala977= (NM_001305424.2); c.1986+19469A>G (NM_001348094.2).
Identifiers: ClinVar variation 3037308 (VCV003037308.2), dbSNP rs140720010, ClinGen allele CA1476885.

ClinVar aggregate classification (germline): Benign/Likely benign. Review status: criteria provided, multiple submitters, no conflicts (2 of 4 stars). 2 submissions from 2 submitters: Benign (1); Likely benign (1). Last evaluated 2024-11-22.

Conditions:
FMN2-related disorder. Also called: FMN2-related condition.

Allele frequency attached by ClinVar (database versions not stated): gnomAD exomes 0.00698; gnomAD 0.01101.
gnomAD v4.1: 8,220 of 1,118,162 alleles (0.74%); highest among the groups gnomAD compares: African/African-American, 3.2%; 94 homozygotes.

Submissions (2):

Blueprint Genetics
Classification: Likely benign. Last evaluated: 2024-11-22. Review status: criteria provided, single submitter. Criteria: ACMG Guidelines, 2015. Collection method: clinical testing. Allele origin: germline.

PreventionGenetics, part of Exact Sciences
Classification: Benign for FMN2-related condition. Last evaluated: 2019-08-09. Review status: criteria provided, single submitter. Criteria: ACMG Guidelines, 2015. Collection method: clinical testing. Allele origin: germline.
Comment: This variant is classified as benign based on ACMG/AMP sequence variant interpretation guidelines (Richards et al. 2015 PMID: 25741868, with internal and published modifications).